The following is an entry in ClinVar:

ClinVar aggregate classification (germline): Likely benign (0 of 4 stars; one submission).

Conditions:
EPPK1-related disorder. Also called: EPPK1-related condition.

Allele frequency attached by ClinVar (database versions not stated): ExAC 0.00001; gnomAD exomes 0.00001.
gnomAD v4.1: 5 of 1,612,188 alleles (0.00031%); highest among the groups gnomAD compares: Admixed American, 0.005%; no homozygotes.

Submission:

PreventionGenetics, part of Exact Sciences
Classification: Likely benign for EPPK1-related condition. Last evaluated: 2021-09-01. Review status: no assertion criteria provided. Collection method: clinical testing. Allele origin: germline.
Comment: This variant is classified as likely benign based on ACMG/AMP sequence variant interpretation guidelines (Richards et al. 2015 PMID: 25741868, with internal and published modifications).

NM_031308.4(EPPK1):c.1455C>T (p.Tyr485=)

Gene: EPPK1 (epiplakin 1; minus strand). Cytogenetic location: 8q24.3.
Variant type: single nucleotide variant.
Coding change: c.1455C>T on transcript NM_031308.4 (MANE Select); coding-DNA position 1455, C replaced by T.
Protein change: p.Tyr485=; no amino-acid change (tyrosine 485 retained).
Molecular consequence: synonymous variant.
Genome position (GRCh38, 1-based): chr8:143,871,799, G>A on the plus strand (C>T on the coding strand, the complement: EPPK1 is on the minus strand). VCF-style: chr8-143871799-G-A. GRCh37 (hg19) VCF-style: chr8-144945967-G-A.
Identifiers: ClinVar variation 3032546 (VCV003032546.2), dbSNP rs781916809, ClinGen allele CA4923356.
Genomic context (GRCh38, chr8:143,871,799, plus strand): 5'-GCCCCGGAACTTCCCCACAGAGACGGTGGCTGTGGCCGTGCTCAGGGCCTGCCGAGTGCT[G>A]TACTTGATGAATGGGGGTCCCTGGGGCTCCCCTCCCCGGGGTCCCCCTGAGAGTGGCAGG-3'
Protein context (NP_112598.3, residues 475-495): GEPQGPPFIK[Tyr485=]STRQALSTAT